The following is an entry in ClinVar:

ClinVar aggregate classification (germline): Pathogenic (1 of 4 stars; one submission).

Conditions:
Myopathy, proximal, and ophthalmoplegia (CMYO6). Also called: MYOPATHY WITH CONGENITAL JOINT CONTRACTURES, OPHTHALMOPLEGIA, AND RIMMED VACUOLES; INCLUSION BODY MYOPATHY 3, AUTOSOMAL DOMINANT; CONGENITAL MYOPATHY 6 WITH OPHTHALMOPLEGIA. Identifiers: Orphanet 363677, Orphanet 79091, MedGen C1854106, MONDO:0011577, OMIM 605637.

Allele frequency attached by ClinVar (database versions not stated): gnomAD exomes below 0.00001; gnomAD 0.00001; TOPMed 0.00002.
gnomAD v4.1: 2 of 1,614,028 alleles (0.00012%); highest among the groups gnomAD compares: African/African-American, 0.0027%; no homozygotes.

Submission:

Labcorp Genetics (formerly Invitae), Labcorp
Classification: Pathogenic for Myopathy, proximal, and ophthalmoplegia. Last evaluated: 2021-12-30. Review status: criteria provided, single submitter. Criteria: Invitae Variant Classification Sherloc (09022015). Collection method: clinical testing. Allele origin: germline.
Comment: This sequence change creates a premature translational stop signal (p.Lys725*) in the MYH2 gene. It is expected to result in an absent or disrupted protein product. Loss-of-function variants in MYH2 are known to be pathogenic (PMID: 20418530, 23388406, 24193343). This variant is present in population databases (no rsID available, gnomAD 0.007%). For these reasons, this variant has been classified as Pathogenic. This variant has not been reported in the literature in individuals affected with MYH2-related conditions.

Literature cited by the submitters: PubMed 20418530; PubMed 23388406; PubMed 24193343.

NM_017534.6(MYH2):c.2173A>T (p.Lys725Ter)

Genes: MYHAS (myosin heavy chain gene cluster antisense RNA; plus strand), MYH2 (myosin heavy chain 2; minus strand). Cytogenetic location: 17p13.1.
Variant type: single nucleotide variant.
Coding change: c.2173A>T on transcript NM_017534.6 (MANE Select); coding-DNA position 2173, A replaced by T.
Protein change: p.Lys725Ter; replaces lysine 725 with a stop codon.
Molecular consequence: nonsense.
Genome position (GRCh38, 1-based): chr17:10,535,080, T>A on the plus strand (A>T on the coding strand, the complement: MYH2 is on the minus strand). VCF-style: chr17-10535080-T-A. GRCh37 (hg19) VCF-style: chr17-10438397-T-A.
Other names: c.2173A>T, p.Lys725Ter (NM_001100112.2); short protein forms K725*.
Identifiers: ClinVar variation 1457319 (VCV001457319.6), dbSNP rs1027921042, ClinGen allele CA287743048.